The following is an entry in ClinVar:

ClinVar aggregate classification (germline): Uncertain significance. Review status: criteria provided, multiple submitters, no conflicts (2 of 4 stars). 2 submissions from 2 submitters: Uncertain significance (2). Last evaluated 2024-05-19.

Conditions:
Hereditary cancer-predisposing syndrome. Also called: Tumor predisposition; Neoplastic Syndromes, Hereditary; Hereditary Cancer Syndrome; Hereditary neoplastic syndrome. Identifiers: Orphanet 140162, MedGen C0027672, MeSH D009386, MONDO:0015356.

Submissions (2):

Labcorp Genetics (formerly Invitae), Labcorp
Classification: Uncertain significance. Last evaluated: 2024-05-19. Review status: criteria provided, single submitter. Criteria: Invitae Variant Classification Sherloc (09022015). Collection method: clinical testing. Allele origin: germline.
Comment: This sequence change replaces tyrosine, which is neutral and polar, with histidine, which is basic and polar, at codon 2151 of the POLE protein (p.Tyr2151His). This variant is not present in population databases (gnomAD no frequency). This variant has not been reported in the literature in individuals affected with POLE-related conditions. ClinVar contains an entry for this variant (Variation ID: 1383810). Advanced modeling of protein sequence and biophysical properties (such as structural, functional, and spatial information, amino acid conservation, physicochemical variation, residue mobility, and thermodynamic stability) performed at Invitae indicates that this missense variant is not expected to disrupt POLE protein function with a negative predictive value of 80%. In summary, the available evidence is currently insufficient to determine the role of this variant in disease. Therefore, it has been classified as a Variant of Uncertain Significance.

Ambry Genetics
Classification: Uncertain significance for Hereditary cancer-predisposing syndrome. Last evaluated: 2023-04-18. Review status: criteria provided, single submitter. Criteria: Ambry Variant Classification Scheme 2023. Collection method: clinical testing. Allele origin: germline.
Comment: The p.Y2151H variant (also known as c.6451T>C), located in coding exon 46 of the POLE gene, results from a T to C substitution at nucleotide position 6451. The tyrosine at codon 2151 is replaced by histidine, an amino acid with similar properties. This amino acid position is conserved. In addition, this alteration is predicted to be tolerated by in silico analysis. Since supporting evidence is limited at this time, the clinical significance of this alteration remains unclear.

NM_006231.4(POLE):c.6451T>C (p.Tyr2151His)

Gene: POLE (DNA polymerase epsilon, catalytic subunit; minus strand). Cytogenetic location: 12q24.33.
Variant type: single nucleotide variant.
Coding change: c.6451T>C on transcript NM_006231.4 (MANE Select); coding-DNA position 6451, T replaced by C.
Protein change: p.Tyr2151His; replaces tyrosine 2151 with histidine.
Molecular consequence: missense variant.
Genome position (GRCh38, 1-based): chr12:132,626,197, A>G on the plus strand (T>C on the coding strand, the complement: POLE is on the minus strand). VCF-style: chr12-132626197-A-G. GRCh37 (hg19) VCF-style: chr12-133202783-A-G.
Other names: c.6451T>C (NM_006231.2); short protein forms Y2151H.
Identifiers: ClinVar variation 1383810 (VCV001383810.7), dbSNP rs1004476069, ClinGen allele CA387367494.